The following is an entry in ClinVar:

NM_213720.3(CHCHD10):c.350G>A (p.Ser117Asn)

Gene: CHCHD10 (coiled-coil-helix-coiled-coil-helix domain containing 10; minus strand). Cytogenetic location: 22q11.23.
Variant type: single nucleotide variant.
Coding change: c.350G>A on transcript NM_213720.3 (MANE Select); coding-DNA position 350, G replaced by A.
Protein change: p.Ser117Asn; replaces serine 117 with asparagine.
Molecular consequence: missense variant. On other transcripts: non-coding transcript variant (2).
Genome position (GRCh38, 1-based): chr22:23,766,187, C>T on the plus strand (G>A on the coding strand, the complement: CHCHD10 is on the minus strand). VCF-style: chr22-23766187-C-T. GRCh37 (hg19) VCF-style: chr22-24108374-C-T.
Other names: c.371G>A, p.Ser124Asn (NM_001301339.2); short protein forms S117N, S124N.
Identifiers: ClinVar variation 1352828 (VCV001352828.6), dbSNP rs1926782349, ClinGen allele CA410914601.

ClinVar aggregate classification (germline): Uncertain significance (1 of 4 stars; one submission).

Conditions:
Lower motor neuron syndrome with late-adult onset (SMAJ). Also called: Late-Onset Spinal Motor Neuronopathy (SMAJ); Spinal muscular atrophy, Jokela type. Identifiers: Orphanet 276435, MedGen C3554398, MONDO:0014025, OMIM 615048.
Frontotemporal dementia and/or amyotrophic lateral sclerosis 2. Also called: FTDALS2. Identifiers: Orphanet 275872, MedGen C4014648, MONDO:0014395, OMIM 615911.
Autosomal dominant mitochondrial myopathy with exercise intolerance (IMMD). Also called: Myopathy, isolated mitochondrial, autosomal dominant. Identifiers: Orphanet 457050, MedGen C4015513, MONDO:0014532, OMIM 616209.

Submission:

Labcorp Genetics (formerly Invitae), Labcorp
Classification: Uncertain significance for Lower motor neuron syndrome with late-adult onset; Frontotemporal dementia and/or amyotrophic lateral sclerosis 2; Autosomal dominant mitochondrial myopathy with exercise intolerance. Last evaluated: 2021-11-22. Review status: criteria provided, single submitter. Criteria: Invitae Variant Classification Sherloc (09022015). Collection method: clinical testing. Allele origin: germline.
Comment: This sequence change replaces serine, which is neutral and polar, with asparagine, which is neutral and polar, at codon 117 of the CHCHD10 protein (p.Ser117Asn). In summary, the available evidence is currently insufficient to determine the role of this variant in disease. Therefore, it has been classified as a Variant of Uncertain Significance. Algorithms developed to predict the effect of missense changes on protein structure and function are either unavailable or do not agree on the potential impact of this missense change (SIFT: "Tolerated"; PolyPhen-2: "Possibly Damaging"; Align-GVGD: "Class C0"). This variant has not been reported in the literature in individuals affected with CHCHD10-related conditions. This variant is not present in population databases (gnomAD no frequency).